The following is an entry in ClinVar:

ClinVar aggregate classification (germline): Pathogenic (1 of 4 stars; one submission).

Submission:

ISCA site 17
Classification: Pathogenic. Last evaluated: 2011-08-12. Review status: criteria provided, single submitter. Criteria: Kaminsky et al. (Genet Med. 2011). Collection method: clinical testing. Allele origin: unknown. Affected: yes. Observed: 1 variant allele.
Comment: Copy number variation identified through the course of routine clinical cytogenomic testing in postnatal populations. Clinical assertions have been curated as described in Kaminsky et al. 2011.

GRCh38/hg38 7q11.23(chr7:73352104-74719154)x3

Genes: ABHD11 (abhydrolase domain containing 11; minus strand), ABHD11-AS1 (ABHD11 antisense RNA 1 (tail to tail); plus strand), BAZ1B (bromodomain adjacent to zinc finger domain 1B; minus strand), BCL7B (BAF chromatin remodeling complex subunit BCL7B; minus strand), BUD23 (BUD23 rRNA methyltransferase and ribosome maturation factor; plus strand) and 125 more. Cytogenetic location: 7q11.23.
Variant type: copy number gain.
Change: copy number 3 (three copies instead of two) of chr7:73,352,104-74,719,154 (1.37 Mb, GRCh38 coordinates, 1-based), cytogenetic band 7q11.23.
Identifiers: ClinVar variation 59320 (VCV000059320.1).